The following is an entry in ClinVar:

ClinVar aggregate classification (germline): Pathogenic (1 of 4 stars; one submission).

Conditions:
PRPH2-related disorder. Also called: PRPH2-related disorders; PRPH2-related condition. Identifiers: MedGen CN239395.

Submission:

Labcorp Genetics (formerly Invitae), Labcorp
Classification: Pathogenic for PRPH2-related disorder. Last evaluated: 2022-07-12. Review status: criteria provided, single submitter. Criteria: Invitae Variant Classification Sherloc (09022015). Collection method: clinical testing. Allele origin: germline.
Comment: This sequence change creates a premature translational stop signal (p.Glu241*) in the PRPH2 gene. It is expected to result in an absent or disrupted protein product. Loss-of-function variants in PRPH2 are known to be pathogenic (PMID: 8111389, 8485575, 8485576, 8675410, 16916875, 17504850, 25675413, 26061163, 27365499, 29555955). This variant is not present in population databases (gnomAD no frequency). This variant has not been reported in the literature in individuals affected with PRPH2-related conditions. ClinVar contains an entry for this variant (Variation ID: 1366036). Algorithms developed to predict the effect of sequence changes on RNA splicing suggest that this variant may create or strengthen a splice site. For these reasons, this variant has been classified as Pathogenic.

Literature cited by the submitters: PubMed 8111389; PubMed 8485575; PubMed 8485576; PubMed 8675410; PubMed 16916875; PubMed 17504850; PubMed 25675413; PubMed 26061163; PubMed 27365499; PubMed 29555955.

NM_000322.5(PRPH2):c.721G>T (p.Glu241Ter)

Gene: PRPH2 (peripherin 2; minus strand). Cytogenetic location: 6p21.1.
Variant type: single nucleotide variant.
Coding change: c.721G>T on transcript NM_000322.5 (MANE Select); coding-DNA position 721, G replaced by T.
Protein change: p.Glu241Ter; replaces glutamic acid 241 with a stop codon.
Molecular consequence: nonsense.
Genome position (GRCh38, 1-based): chr6:42,704,472, C>A on the plus strand (G>T on the coding strand, the complement: PRPH2 is on the minus strand). VCF-style: chr6-42704472-C-A. GRCh37 (hg19) VCF-style: chr6-42672210-C-A.
Other names: short protein forms E241*.
Identifiers: ClinVar variation 1366036 (VCV001366036.6), dbSNP rs2152005272, ClinGen allele CA364135127.